The following is an entry in ClinVar:

NM_033337.3(CAV3):c.250C>G (p.Leu84Val)

Genes: CAV3 (caveolin 3; plus strand), OXTR (oxytocin receptor; minus strand). Cytogenetic location: 3p25.3.
Variant type: single nucleotide variant.
Coding change: c.250C>G on transcript NM_033337.3 (MANE Select); coding-DNA position 250, C replaced by G.
Protein change: p.Leu84Val; replaces leucine 84 with valine.
Molecular consequence: missense variant.
Genome position (GRCh38, 1-based): chr3:8,745,661, C>G. VCF-style: chr3-8745661-C-G. GRCh37 (hg19) VCF-style: chr3-8787347-C-G.
Other names: c.250C>G, p.Leu84Val (NM_001234.5); short protein forms L84V.
Identifiers: ClinVar variation 2198421 (VCV002198421.4), dbSNP rs1467085320, ClinGen allele CA351663374.
Genomic context (GRCh38, chr3:8,745,661, plus strand): 5'-ACCTTCACTGTCTCCAAGTACTGGTGCTACCGTCTGTTGTCCACGCTGCTGGGCGTCCCA[C>G]TGGCCCTGCTCTGGGGCTTCCTGTTCGCCTGCATCTCCTTCTGCCACATCTGGGCGGTGG-3'
Protein context (NP_203123.1, residues 74-94): RLLSTLLGVP[Leu84Val]ALLWGFLFAC

ClinVar aggregate classification (germline): Uncertain significance (1 of 4 stars; one submission).

Conditions:
Long QT syndrome (LQTS). Identifiers: MedGen C0023976, MeSH D008133, MONDO:0002442. Disease mechanism: loss of function. Inheritance: Various modes of inheritance.

Allele frequency attached by ClinVar (database versions not stated): gnomAD 0.00001; gnomAD exomes 0.00001; TOPMed 0.00002.
gnomAD v4.1: 11 of 1,614,078 alleles (0.00068%); highest among the groups gnomAD compares: Non-Finnish European, 0.00085%; no homozygotes.

Submission:

Labcorp Genetics (formerly Invitae), Labcorp
Classification: Uncertain significance for Long QT syndrome. Last evaluated: 2025-05-18. Review status: criteria provided, single submitter. Criteria: Invitae Variant Classification Sherloc (09022015). Collection method: clinical testing. Allele origin: germline.
Comment: This sequence change replaces leucine, which is neutral and non-polar, with valine, which is neutral and non-polar, at codon 84 of the CAV3 protein (p.Leu84Val). This variant is present in population databases (no rsID available, gnomAD 0.003%). This variant has not been reported in the literature in individuals affected with CAV3-related conditions. ClinVar contains an entry for this variant (Variation ID: 2198421). An algorithm developed to predict the effect of missense changes on protein structure and function (PolyPhen-2) suggests that this variant is likely to be tolerated. In summary, the available evidence is currently insufficient to determine the role of this variant in disease. Therefore, it has been classified as a Variant of Uncertain Significance.